The following is an entry in ClinVar:

ClinVar aggregate classification (germline): Uncertain significance (1 of 4 stars; one submission).

Conditions:
Neuropathy, hereditary sensory and autonomic, type 2A (HSAN2A). Also called: ACROOSTEOLYSIS, GIACCAI TYPE; ACROOSTEOLYSIS, NEUROGENIC; MORVAN DISEASE; NEUROPATHY, CONGENITAL SENSORY; NEUROPATHY, HEREDITARY SENSORY RADICULAR, AUTOSOMAL RECESSIVE; NEUROPATHY, HEREDITARY SENSORY, TYPE IIA. Identifiers: Orphanet 970, MedGen C2752089, MONDO:0024309, OMIM 201300.
Pseudohypoaldosteronism type 2C (PHA2C). Also called: Pseudohypoaldosteronism Type IIC. Identifiers: Orphanet 757, Orphanet 88940, MedGen C1840391, MONDO:0013778, OMIM 614492.

gnomAD v4.1: 1 of 1,614,092 alleles (0.000062%); highest among the groups gnomAD compares: Middle Eastern, 0.017%; no homozygotes.

Submission:

Labcorp Genetics (formerly Invitae), Labcorp
Classification: Uncertain significance for Neuropathy, hereditary sensory and autonomic, type 2A; Pseudohypoaldosteronism type 2C. Last evaluated: 2021-08-27. Review status: criteria provided, single submitter. Criteria: Invitae Variant Classification Sherloc (09022015). Collection method: clinical testing. Allele origin: germline.
Comment: This sequence change replaces valine with leucine at codon 1525 of the WNK1 protein (p.Val1525Leu). The valine residue is weakly conserved and there is a small physicochemical difference between valine and leucine. This variant is not present in population databases (ExAC no frequency). This variant has not been reported in the literature in individuals affected with WNK1-related conditions. Advanced modeling of protein sequence and biophysical properties (such as structural, functional, and spatial information, amino acid conservation, physicochemical variation, residue mobility, and thermodynamic stability) performed at Invitae indicates that this missense variant is not expected to disrupt WNK1 protein function. In summary, the available evidence is currently insufficient to determine the role of this variant in disease. Therefore, it has been classified as a Variant of Uncertain Significance.

NM_018979.4(WNK1):c.3817G>C (p.Val1273Leu)

Gene: WNK1 (WNK lysine deficient protein kinase 1; plus strand). Cytogenetic location: 12p13.33.
Variant type: single nucleotide variant.
Coding change: c.3817G>C on transcript NM_018979.4 (MANE Select); coding-DNA position 3817, G replaced by C.
Protein change: p.Val1273Leu; replaces valine 1273 with leucine.
Molecular consequence: missense variant.
Genome position (GRCh38, 1-based): chr12:884,216, G>C. VCF-style: chr12-884216-G-C. GRCh37 (hg19) VCF-style: chr12-993382-G-C.
Other names: c.4597G>C, p.Val1533Leu (NM_001184985.2); c.3076G>C, p.Val1026Leu (NM_014823.3); c.4573G>C, p.Val1525Leu (NM_213655.5); short protein forms V1026L, V1525L, V1273L, V1533L.
Identifiers: ClinVar variation 1390142 (VCV001390142.5), dbSNP rs2154083543, ClinGen allele CA383329949.